The following is an entry in ClinVar:

NM_000245.4(MET):c.116T>A (p.Met39Lys)

Gene: MET (MET proto-oncogene, receptor tyrosine kinase; plus strand). Cytogenetic location: 7q31.2.
Variant type: single nucleotide variant.
Coding change: c.116T>A on transcript NM_000245.4 (MANE Select); coding-DNA position 116, T replaced by A.
Protein change: p.Met39Lys; replaces methionine 39 with lysine.
Molecular consequence: missense variant. On other transcripts: intron variant (1).
Genome position (GRCh38, 1-based): chr7:116,699,200, T>A. VCF-style: chr7-116699200-T-A. GRCh37 (hg19) VCF-style: chr7-116339254-T-A.
Other names: c.116T>A, p.Met39Lys (NM_001127500.3, NM_001324401.3); c.-91+26623T>A (NM_001324402.2); short protein forms M39K.
Identifiers: ClinVar variation 943035 (VCV000943035.9), dbSNP rs879254330, ClinGen allele CA368968374.

ClinVar aggregate classification (germline): Uncertain significance (1 of 4 stars; one submission).

Conditions:
Renal cell carcinoma. Identifiers: Orphanet 217071, MedGen C0007134, MeSH D002292, MONDO:0005086, HP:0005584.

Submission:

Labcorp Genetics (formerly Invitae), Labcorp
Classification: Uncertain significance for Renal cell carcinoma. Last evaluated: 2024-08-07. Review status: criteria provided, single submitter. Criteria: Invitae Variant Classification Sherloc (09022015). Collection method: clinical testing. Allele origin: germline.
Comment: This sequence change replaces methionine, which is neutral and non-polar, with lysine, which is basic and polar, at codon 39 of the MET protein (p.Met39Lys). This variant is not present in population databases (gnomAD no frequency). This variant has not been reported in the literature in individuals affected with MET-related conditions. ClinVar contains an entry for this variant (Variation ID: 943035). Advanced modeling of protein sequence and biophysical properties (such as structural, functional, and spatial information, amino acid conservation, physicochemical variation, residue mobility, and thermodynamic stability) has been performed at Invitae for this missense variant, however the output from this modeling did not meet the statistical confidence thresholds required to predict the impact of this variant on MET protein function. In summary, the available evidence is currently insufficient to determine the role of this variant in disease. Therefore, it has been classified as a Variant of Uncertain Significance.